The following is an entry in ClinVar:

ClinVar aggregate classification (germline): Benign/Likely benign. Review status: criteria provided, multiple submitters, no conflicts (2 of 4 stars). 6 submissions from 6 submitters: Benign (4); Likely benign (2). Last evaluated 2026-07-01.

Conditions:
Malan overgrowth syndrome (MALNS). Also called: MALAN SYNDROME; NFIX-Related Malan Syndrome; Sotos syndrome 2. Identifiers: Orphanet 420179, MedGen C3553660, MONDO:0013885, OMIM 614753.
Marshall-Smith syndrome (MRSHSS). Identifiers: Orphanet 561, MedGen C0265211, MONDO:0011244, OMIM 602535.

Allele frequency attached by ClinVar (database versions not stated): 1000 Genomes Project 0.00080; 1000 Genomes Project 30x 0.00141; gnomAD 0.00223 and 0.00238; ESP Exome Variant Server 0.00227; gnomAD exomes 0.00228 and 0.00304; ExAC 0.00241; TOPMed 0.00244.
gnomAD v4.1: 4,773 of 1,613,872 alleles (0.3%); highest among the groups gnomAD compares: Non-Finnish European, 0.35%; 6 homozygotes.

Submissions (6):

CeGaT Center for Human Genetics Tuebingen
Classification: Likely benign. Last evaluated: 2026-07-01. Review status: criteria provided, single submitter. Criteria: CeGaT Center For Human Genetics Tuebingen Variant Classification Criteria Version 2. Collection method: clinical testing. Allele origin: germline. Affected: yes. Observed: 15 variant alleles.
Comment: NFIX: BP4, BP7

Labcorp Genetics (formerly Invitae), Labcorp
Classification: Benign for Malan overgrowth syndrome; Marshall-Smith syndrome. Last evaluated: 2026-01-19. Review status: criteria provided, single submitter. Criteria: Invitae Variant Classification Sherloc (09022015). Collection method: clinical testing. Allele origin: germline.

Blueprint Genetics
Classification: Likely benign. Last evaluated: 2024-11-27. Review status: criteria provided, single submitter. Criteria: ACMG Guidelines, 2015. Collection method: clinical testing. Allele origin: germline.

GeneDx
Classification: Benign. Last evaluated: 2015-04-27. Review status: criteria provided, single submitter. Criteria: GeneDx Variant Classification (06012015). Collection method: clinical testing. Allele origin: germline. Affected: yes.
Comment: This variant is considered likely benign or benign based on one or more of the following criteria: it is a conservative change, it occurs at a poorly conserved position in the protein, it is predicted to be benign by multiple in silico algorithms, and/or has population frequency not consistent with disease.

Eurofins Ntd Llc (ga)
Classification: Benign. Last evaluated: 2015-01-07. Review status: criteria provided, single submitter. Criteria: EGL Classification Definitions 2015. Collection method: clinical testing. Allele origin: germline. Observed: 1 variant allele, 1 heterozygote.

Breakthrough Genomics
Classification: Benign. Review status: criteria provided, single submitter. Criteria: ACMG Guidelines, 2015. Collection method: not provided. Allele origin: germline. Inheritance: Autosomal dominant inheritance. Affected: yes.

NM_001365902.3(NFIX):c.1140G>A (p.Ser380=)

Gene: NFIX (nuclear factor I X; plus strand). Cytogenetic location: 19p13.13.
Variant type: single nucleotide variant.
Coding change: c.1140G>A on transcript NM_001365902.3 (MANE Select); coding-DNA position 1140, G replaced by A.
Protein change: p.Ser380=; no amino-acid change (serine 380 retained).
Molecular consequence: synonymous variant.
Genome position (GRCh38, 1-based): chr19:13,081,741, G>A. VCF-style: chr19-13081741-G-A. GRCh37 (hg19) VCF-style: chr19-13192555-G-A.
Other names: c.1116G>A, p.Ser372= (NM_001271044.3, NM_001378404.1); c.1017G>A, p.Ser339= (NM_001365982.2); c.999G>A, p.Ser333= (NM_001365983.2); c.1137G>A, p.Ser379= (NM_001365984.2, NM_001365985.2); c.1188G>A, p.Ser396= (NM_001378405.1); c.1140G>A, p.Ser380= (NM_002501.4); c.1164G>A, p.Ser388= (NM_001271043.2).
Identifiers: ClinVar variation 198780 (VCV000198780.48), dbSNP rs201174259, ClinGen allele CA203604.